The following is an entry in ClinVar:

ClinVar aggregate classification (germline): Likely pathogenic (1 of 4 stars; one submission).

Conditions:
Hereditary pancreatitis (PCTT). Also called: Hereditary chronic pancreatitis; PRSS1-Related Hereditary Pancreatitis. Identifiers: Orphanet 676, MedGen C0238339, MONDO:0008185, OMIM 167800.

Submission:

Labcorp Genetics (formerly Invitae), Labcorp
Classification: Likely pathogenic for Hereditary pancreatitis. Last evaluated: 2018-11-19. Review status: criteria provided, single submitter. Criteria: Invitae Variant Classification Sherloc (09022015). Collection method: clinical testing. Allele origin: germline.
Comment: This variantÂ¬â€ results in a copy number gain ofÂ¬â€ the genomic region encompassing exons 3-5 of the PRSS1 gene. The 5' boundary is likely confined to intron 2. The 3' end of this event is unknown as it extends beyond the assayed region for this gene and therefore may encompass additional genes. Similar copy number gains of exons 3-5 in PRSS1 have been observed to segregate withÂ¬â€ chronic pancreatitisÂ¬â€ in two familiesÂ¬â€ (PMID:Â¬â€ 18461367, Invitae), but there is a limitation in determining the exact extent of these events. In summary, the currently available evidence indicates that the variant is pathogenic, but additional data are needed to prove that conclusively. Therefore, this variant has been classified as Likely Pathogenic.

NC_000007.13:g.(?_142459605)_(142460891_?)dup

Genes: TRB (T cell receptor beta locus; plus strand), PRSS1 (serine protease 1; plus strand). Cytogenetic location: 7q34.
Variant type: Duplication.
Identifiers: ClinVar variation 651824 (VCV000651824.1).